The following is an entry in ClinVar:

NM_002637.4(PHKA1):c.1708A>G (p.Met570Val)

Gene: PHKA1 (phosphorylase kinase regulatory subunit alpha 1; minus strand). Cytogenetic location: Xq13.1.
Variant type: single nucleotide variant.
Coding change: c.1708A>G on transcript NM_002637.4 (MANE Select); coding-DNA position 1708, A replaced by G.
Protein change: p.Met570Val; replaces methionine 570 with valine.
Molecular consequence: missense variant.
Genome position (GRCh38, 1-based): chrX:72,635,161, T>C on the plus strand (A>G on the coding strand, the complement: PHKA1 is on the minus strand). VCF-style: chrX-72635161-T-C. GRCh37 (hg19) VCF-style: chrX-71855011-T-C.
Other names: c.1708A>G, p.Met570Val (NM_001122670.2, NM_001172436.2); short protein forms M570V.
Identifiers: ClinVar variation 3212217 (VCV003212217.3), dbSNP rs2522547506, ClinGen allele CA413591896.

ClinVar aggregate classification (germline): Uncertain significance. Review status: criteria provided, multiple submitters, no conflicts (2 of 4 stars). 2 submissions from 2 submitters: Uncertain significance (2). Last evaluated 2024-09-06.

Conditions:
Glycogen storage disease IXd (GSD9D). Also called: Muscle Phosphorylase Kinase Deficiency; GSD IXd. Identifiers: Orphanet 715, MedGen C1845151, MONDO:0010362, OMIM 300559.
Inborn genetic diseases. Identifiers: MedGen C0950123, MeSH D030342.

Allele frequency attached by ClinVar (database versions not stated): gnomAD exomes below 0.00001.
gnomAD v4.1: 4 of 1,211,869 alleles (0.00033%); highest among the groups gnomAD compares: South Asian, 0.007%; no homozygotes.

Submissions (2):

Labcorp Genetics (formerly Invitae), Labcorp
Classification: Uncertain significance for Glycogen storage disease IXd. Last evaluated: 2024-09-06. Review status: criteria provided, single submitter. Criteria: Invitae Variant Classification Sherloc (09022015). Collection method: clinical testing. Allele origin: germline.
Comment: This sequence change replaces methionine, which is neutral and non-polar, with valine, which is neutral and non-polar, at codon 570 of the PHKA1 protein (p.Met570Val). This variant is not present in population databases (gnomAD no frequency). This variant has not been reported in the literature in individuals affected with PHKA1-related conditions. Invitae Evidence Modeling of protein sequence and biophysical properties (such as structural, functional, and spatial information, amino acid conservation, physicochemical variation, residue mobility, and thermodynamic stability) has been performed for this missense variant. However, the output from this modeling did not meet the statistical confidence thresholds required to predict the impact of this variant on PHKA1 protein function. In summary, the available evidence is currently insufficient to determine the role of this variant in disease. Therefore, it has been classified as a Variant of Uncertain Significance.

Ambry Genetics
Classification: Uncertain significance for Inborn genetic diseases. Last evaluated: 2023-12-17. Review status: criteria provided, single submitter. Criteria: Ambry Variant Classification Scheme 2023. Collection method: clinical testing. Allele origin: germline.